The following is an entry in ClinVar:

ClinVar aggregate classification (germline): Uncertain significance. Review status: criteria provided, multiple submitters, no conflicts (2 of 4 stars). 2 submissions from 2 submitters: Uncertain significance (2). Last evaluated 2025-10-16.

Conditions:
Hereditary cancer-predisposing syndrome. Also called: Tumor predisposition; Neoplastic Syndromes, Hereditary; Hereditary neoplastic syndrome; Hereditary Cancer Syndrome. Identifiers: Orphanet 140162, MedGen C0027672, MeSH D009386, MONDO:0015356.

Submissions (2):

Ambry Genetics
Classification: Uncertain significance for Hereditary cancer-predisposing syndrome. Last evaluated: 2025-10-16. Review status: criteria provided, single submitter. Criteria: Ambry Variant Classification Scheme 2023. Collection method: clinical testing. Allele origin: germline.
Comment: The p.Q527P variant (also known as c.1580A>C), located in coding exon 13 of the TSC1 gene, results from an A to C substitution at nucleotide position 1580. The glutamine at codon 527 is replaced by proline, an amino acid with similar properties. This amino acid position is conserved. In addition, this alteration is predicted to be tolerated by in silico analysis. Based on the available evidence, the clinical significance of this variant remains unclear.

GeneDx
Classification: Uncertain significance. Last evaluated: 2023-12-15. Review status: criteria provided, single submitter. Criteria: GeneDx Variant Classification Process June 2021. Collection method: clinical testing. Allele origin: germline. Affected: yes.
Comment: Not observed at significant frequency in large population cohorts (gnomAD); In silico analysis supports that this missense variant does not alter protein structure/function; Has not been previously published as pathogenic or benign to our knowledge

NM_000368.5(TSC1):c.1580A>C (p.Gln527Pro)

Gene: TSC1 (TSC complex subunit 1; minus strand). Cytogenetic location: 9q34.13.
Variant type: single nucleotide variant.
Coding change: c.1580A>C on transcript NM_000368.5 (MANE Select); coding-DNA position 1580, A replaced by C.
Protein change: p.Gln527Pro; replaces glutamine 527 with proline.
Molecular consequence: missense variant. On other transcripts: non-coding transcript variant (5).
Genome position (GRCh38, 1-based): chr9:132,905,998, T>G on the plus strand (A>C on the coding strand, the complement: TSC1 is on the minus strand). VCF-style: chr9-132905998-T-G. GRCh37 (hg19) VCF-style: chr9-135781385-T-G.
Other names: c.1577A>C, p.Gln526Pro (NM_001162426.2, NM_001406597.1, NM_001406598.1 and 6 more transcripts); c.1427A>C, p.Gln476Pro (NM_001162427.2, NM_001406610.1); c.1217A>C, p.Gln406Pro (NM_001362177.2, NM_001406614.1, NM_001406615.1 and 5 more transcripts); c.1580A>C, p.Gln527Pro (NM_001406592.1, NM_001406593.1, NM_001406594.1 and 7 more transcripts); c.1424A>C, p.Gln475Pro (NM_001406611.1, NM_001406612.1, NM_001406613.1); c.1214A>C, p.Gln405Pro (NM_001406620.1, NM_001406621.1, NM_001406622.1 and 2 more transcripts); c.629A>C, p.Gln210Pro (NM_001406626.1); c.626A>C, p.Gln209Pro (NM_001406627.1, NM_001406628.1); and 1 more; short protein forms Q176P, Q209P, Q210P, Q405P, Q406P, Q475P, Q476P, Q526P.
Identifiers: ClinVar variation 3365556 (VCV003365556.2).